The following is an entry in ClinVar:

ClinVar aggregate classification (germline): Benign. Review status: criteria provided, multiple submitters, no conflicts (2 of 4 stars). 2 submissions from 2 submitters: Benign (2). Last evaluated 2026-02-02.

Conditions:
Autosomal recessive congenital ichthyosis 10 (ARCI10). Identifiers: Orphanet 79394, MedGen C3554355, MONDO:0014011, OMIM 615024.

Allele frequency attached by ClinVar (database versions not stated): gnomAD exomes 0.00414 and 0.00712; ExAC 0.00811; 1000 Genomes Project 0.02157; 1000 Genomes Project 30x 0.02327; gnomAD 0.02412 and 0.02610; ESP Exome Variant Server 0.02591; TOPMed 0.02730.
gnomAD v4.1: 9,851 of 1,614,106 alleles (0.61%); highest among the groups gnomAD compares: African/African-American, 7.7%; 273 homozygotes.

Submissions (2):

Labcorp Genetics (formerly Invitae), Labcorp
Classification: Benign. Last evaluated: 2026-02-02. Review status: criteria provided, single submitter. Criteria: Invitae Variant Classification Sherloc (09022015). Collection method: clinical testing. Allele origin: germline.

Illumina Laboratory Services, Illumina
Classification: Benign for Autosomal recessive congenital ichthyosis 10. Last evaluated: 2018-01-13. Review status: criteria provided, single submitter. Criteria: ICSL Variant Classification Criteria 13 December 2019. Collection method: clinical testing. Allele origin: germline.
Comment: This variant was observed in the ICSL laboratory as part of a predisposition screen in an ostensibly healthy population. It had not been previously curated by ICSL or reported in the Human Gene Mutation Database (HGMD: prior to June 1st, 2018), and was therefore a candidate for classification through an automated scoring system. Utilizing variant allele frequency, disease prevalence and penetrance estimates, and inheritance mode, an automated score was calculated to assess if this variant is too frequent to cause the disease. Based on the score and internal cut-off values, a variant classified as benign is not then subjected to further curation. The score for this variant resulted in a classification of benign for this disease.

NM_001374623.1(PNPLA1):c.715-9C>T

Gene: PNPLA1 (patatin like domain 1, omega-hydroxyceramide transacylase; plus strand). Cytogenetic location: 6p21.31.
Variant type: single nucleotide variant.
Coding change: c.715-9C>T on transcript NM_001374623.1 (MANE Select); 9 bases into the intron before coding-DNA position 715, C replaced by T.
Molecular consequence: intron variant.
Genome position (GRCh38, 1-based): chr6:36,295,355, C>T. VCF-style: chr6-36295355-C-T. GRCh37 (hg19) VCF-style: chr6-36263132-C-T.
Other names: c.715-9C>T (NM_001145717.1); c.457-9C>T (NM_001145716.2); c.430-9C>T (NM_173676.2).
Identifiers: ClinVar variation 356562 (VCV000356562.13), dbSNP rs73421652, ClinGen allele CA3777829.